The following is an entry in ClinVar:

NM_032043.3(BRIP1):c.3461_3462delinsAAG (p.Arg1154fs)

Gene: BRIP1 (BRCA1 interacting DNA helicase 1; minus strand). Cytogenetic location: 17q23.2.
Variant type: Indel.
Coding change: c.3461_3462delinsAAG on transcript NM_032043.3 (MANE Select); coding-DNA positions 3461 to 3462, GA replaced by AAG.
Protein change: p.Arg1154fs; shifts the reading frame from arginine 1154.
Molecular consequence: frameshift variant.
Genome position (GRCh38, 1-based): chr17:61,683,584-61,683,585, TC replaced by CTT on the plus strand (GA replaced by AAG on the coding strand, the reverse complement: BRIP1 is on the minus strand). VCF-style: chr17-61683584-TC-CTT. GRCh37 (hg19) VCF-style: chr17-59760945-TC-CTT.
Other names: short protein forms R1154fs.
Identifiers: ClinVar variation 2680341 (VCV002680341.3), dbSNP rs2544555449, ClinGen allele CA2695200310.

ClinVar aggregate classification (germline): Uncertain significance (1 of 4 stars; one submission).

Conditions:
Hereditary cancer-predisposing syndrome. Also called: Neoplastic Syndromes, Hereditary; Hereditary neoplastic syndrome; Tumor predisposition; Hereditary Cancer Syndrome. Identifiers: Orphanet 140162, MedGen C0027672, MeSH D009386, MONDO:0015356.

Submission:

Color Diagnostics, LLC DBA Color Health
Classification: Uncertain significance for Hereditary cancer-predisposing syndrome. Last evaluated: 2023-10-17. Review status: criteria provided, single submitter. Criteria: ACMG Guidelines, 2015. Collection method: clinical testing. Allele origin: germline.
Comment: This variant replaces two nucleotides GA with three nucleotides AAG in exon 20 of the BRIP1 gene, creating a frameshift and premature translation stop signal in the last coding exon. This variant is expected to escape nonsense-mediated decay and be expressed as a truncated protein. This variant would disrupt acetylation at the Lys1249 residue of the BRIP1 protein, which is reported to be important for the DNA repair response (PMID: 22792074). However, the role of this post-translational modification in disease is not clearly understood. To our knowledge, functional studies have not been reported for this variant nor has this variant been reported in individuals affected with BRIP1-related disorders in the literature. This variant has not been identified in the general population by the Genome Aggregation Database (gnomAD). Loss of BRIP1 function is a known mechanism of disease. The available evidence is insufficient to determine the role of this variant in disease conclusively. Therefore, this variant is classified as a Variant of Uncertain Significance.

Literature cited by the submitters: PubMed 22792074.